The following is an entry in ClinVar:

NM_001377.3(DYNC2H1):c.1390C>T (p.Arg464Ter)

Gene: DYNC2H1 (dynein cytoplasmic 2 heavy chain 1; plus strand). Cytogenetic location: 11q22.3.
Variant type: single nucleotide variant.
Coding change: c.1390C>T on transcript NM_001377.3 (MANE Select); coding-DNA position 1390, C replaced by T.
Protein change: p.Arg464Ter; replaces arginine 464 with a stop codon.
Molecular consequence: nonsense.
Genome position (GRCh38, 1-based): chr11:103,121,401, C>T. VCF-style: chr11-103121401-C-T. GRCh37 (hg19) VCF-style: chr11-102992130-C-T.
Other names: c.1390C>T, p.Arg464Ter (NM_001080463.2); short protein forms R464*.
Identifiers: ClinVar variation 4810803 (VCV004810803.3).

ClinVar aggregate classification (germline): Pathogenic. Review status: criteria provided, multiple submitters, no conflicts (2 of 4 stars). 2 submissions from 2 submitters: Pathogenic (2). Last evaluated 2025-09-02.

Conditions:
Asphyxiating thoracic dystrophy 3. Also called: SHORT-RIB THORACIC DYSPLASIA 3 WITH OR WITHOUT POLYDACTYLY; POLYDACTYLY WITH NEONATAL CHONDRODYSTROPHY, TYPE I; Short rib polydactyly syndrome 2B; Saldino-Noonan Syndrome; SHORT-RIB THORACIC DYSPLASIA 3/6 WITH POLYDACTYLY, DIGENIC. Identifiers: Orphanet 474, Orphanet 93269, Orphanet 93270, Orphanet 93271, MedGen C0036069, MONDO:0013127, OMIM 613091.
Jeune thoracic dystrophy. Also called: Jeune syndrome; Infantile thoracic dystrophy; Thoracic pelvic phalangeal dystrophy; Jeune's syndrome; Chondroectodermal dysplasia-like syndrome; Short-rib thoracic dysplasia. Identifiers: Orphanet 474, MedGen C0265275, MONDO:0018770.

gnomAD v4.1: 8 of 1,611,390 alleles (0.0005%); highest among the groups gnomAD compares: East Asian, 0.0022%; no homozygotes.

Submissions (2):

Myriad Genetics, Inc.
Classification: Pathogenic for Asphyxiating thoracic dystrophy 3. Last evaluated: 2025-09-02. Review status: criteria provided, single submitter. Criteria: Myriad Autosomal Dominant, Autosomal Recessive and X-Linked Classification Criteria (2023). Collection method: clinical testing. Allele origin: unknown.
Comment: NM_001377.2(DYNC2H1):c.1390C>T(R464*) is expected to be pathogenic in the context of DYNC2H1-related disorders. This variant is predicted to lead to an abnormal or absent protein product due to the creation of a premature termination codon in DYNC2H1, a gene where loss-of-function variants are known to be pathogenic. Please note: this variant was assessed in the context of healthy population screening.

Labcorp Genetics (formerly Invitae), Labcorp
Classification: Pathogenic for Jeune thoracic dystrophy. Last evaluated: 2025-04-26. Review status: criteria provided, single submitter. Criteria: Invitae Variant Classification Sherloc (09022015). Collection method: clinical testing. Allele origin: germline.
Comment: This sequence change creates a premature translational stop signal (p.Arg464*) in the DYNC2H1 gene. It is expected to result in an absent or disrupted protein product. Loss-of-function variants in DYNC2H1 are known to be pathogenic (PMID: 23339108, 32753734, 33755199). The frequency data for this variant in the population databases is considered unreliable, as metrics indicate poor data quality at this position in the gnomAD database. This variant has not been reported in the literature in individuals affected with DYNC2H1-related conditions. For these reasons, this variant has been classified as Pathogenic.

Literature cited by the submitters: PubMed 23339108 (cited by Labcorp Genetics (formerly Invitae), Labcorp); PubMed 32753734 (cited by Labcorp Genetics (formerly Invitae), Labcorp); PubMed 33755199 (cited by Labcorp Genetics (formerly Invitae), Labcorp).